The following is an entry in ClinVar:

ClinVar aggregate classification (germline): Uncertain significance (1 of 4 stars; one submission).

Conditions:
Noonan syndrome 9 (NS9). Identifiers: Orphanet 648, MedGen C4225282, MONDO:0014691, OMIM 616559.

Allele frequency attached by ClinVar (database versions not stated): TOPMed below 0.00001.

Submission:

Labcorp Genetics (formerly Invitae), Labcorp
Classification: Uncertain significance for Noonan syndrome 9. Last evaluated: 2023-10-30. Review status: criteria provided, single submitter. Criteria: Invitae Variant Classification Sherloc (09022015). Collection method: clinical testing. Allele origin: germline.
Comment: This sequence change replaces proline, which is neutral and non-polar, with serine, which is neutral and polar, at codon 653 of the SOS2 protein (p.Pro653Ser). This variant is not present in population databases (gnomAD no frequency). This variant has not been reported in the literature in individuals affected with SOS2-related conditions. Advanced modeling of protein sequence and biophysical properties (such as structural, functional, and spatial information, amino acid conservation, physicochemical variation, residue mobility, and thermodynamic stability) performed at Invitae indicates that this missense variant is not expected to disrupt SOS2 protein function with a negative predictive value of 95%. In summary, the available evidence is currently insufficient to determine the role of this variant in disease. Therefore, it has been classified as a Variant of Uncertain Significance.

NM_006939.4(SOS2):c.1957C>T (p.Pro653Ser)

Gene: SOS2 (SOS Ras/Rho guanine nucleotide exchange factor 2; minus strand). Cytogenetic location: 14q21.3.
Variant type: single nucleotide variant.
Coding change: c.1957C>T on transcript NM_006939.4 (MANE Select); coding-DNA position 1957, C replaced by T.
Protein change: p.Pro653Ser; replaces proline 653 with serine.
Molecular consequence: missense variant.
Genome position (GRCh38, 1-based): chr14:50,157,099, G>A on the plus strand (C>T on the coding strand, the complement: SOS2 is on the minus strand). VCF-style: chr14-50157099-G-A. GRCh37 (hg19) VCF-style: chr14-50623817-G-A.
Other names: c.1858C>T, p.Pro620Ser (NM_001411020.1); short protein forms P620S, P653S.
Identifiers: ClinVar variation 3022927 (VCV003022927.3), dbSNP rs1263890923, ClinGen allele CA389644560.